The following is an entry in ClinVar:

ClinVar aggregate classification (germline): Uncertain significance (1 of 4 stars; one submission).

Submission:

Labcorp Genetics (formerly Invitae), Labcorp
Classification: Uncertain significance. Last evaluated: 2023-10-14. Review status: criteria provided, single submitter. Criteria: Invitae Variant Classification Sherloc (09022015). Collection method: clinical testing. Allele origin: germline.
Comment: This sequence change replaces arginine, which is basic and polar, with leucine, which is neutral and non-polar, at codon 1197 of the ELP1 protein (p.Arg1197Leu). This variant is present in population databases (no rsID available, gnomAD 0.0008%). This variant has not been reported in the literature in individuals affected with ELP1-related conditions. An algorithm developed to predict the effect of missense changes on protein structure and function (PolyPhen-2) suggests that this variant is likely to be disruptive. In summary, the available evidence is currently insufficient to determine the role of this variant in disease. Therefore, it has been classified as a Variant of Uncertain Significance.

NM_003640.5(ELP1):c.3590_3591delinsTA (p.Arg1197Leu)

Gene: ELP1 (elongator acetyltransferase complex subunit 1; minus strand). Cytogenetic location: 9q31.3.
Variant type: Indel.
Coding change: c.3590_3591delinsTA on transcript NM_003640.5 (MANE Select); coding-DNA positions 3590 to 3591, GC replaced by TA.
Protein change: p.Arg1197Leu; replaces arginine 1197 with leucine.
Molecular consequence: missense variant.
Genome position (GRCh38, 1-based): chr9:108,878,732-108,878,733, GC replaced by TA on the plus strand (GC replaced by TA on the coding strand, the reverse complement: ELP1 is on the minus strand). VCF-style: chr9-108878732-GC-TA. GRCh37 (hg19) VCF-style: chr9-111641012-GC-TA.
Other names: c.3248_3249delinsTA, p.Arg1083Leu (NM_001318360.2); c.2543_2544delinsTA, p.Arg848Leu (NM_001330749.2); short protein forms R1083L, R848L, R1197L.
Identifiers: ClinVar variation 2731163 (VCV002731163.3), dbSNP rs2537856489, ClinGen allele CA2697557952.